The following is an entry in ClinVar:

NM_000075.4(CDK4):c.684-20_684-19del

Genes: CDK4 (cyclin dependent kinase 4; minus strand), TSPAN31 (tetraspanin 31; plus strand). Cytogenetic location: 12q14.1.
Variant type: Microsatellite.
Coding change: c.684-20_684-19del on transcript NM_000075.4 (MANE Select); 20 bases into the intron before coding-DNA position 684 through 19 bases into the intron before coding-DNA position 684, 2 bases deleted (AG; older notation c.684-20_684-19delAG).
Molecular consequence: intron variant. On other transcripts: 3 prime UTR variant (3).
Genome position (GRCh38, 1-based): chr12:57,749,336-57,749,337, CT deleted on the plus strand (AG on the coding strand, the reverse complement: CDK4 is on the minus strand); deleting any 2 consecutive bases within chr12:57,749,336-57,749,339 gives the same sequence; the c. name uses the placement nearest the transcript's 3' end. VCF-style (leftmost placement, unchanged base first): chr12-57749335-ACT-A. GRCh37 (hg19) VCF-style: chr12-58143118-ACT-A.
Other names: c.*2046CT[1] (NM_001330168.2, NM_001330169.2, NM_005981.5).
Identifiers: ClinVar variation 3379078 (VCV003379078.1).
Genomic context (GRCh38, chr12:57,749,335, plus strand): 5'-TACATCTCGAGGCCAGTCATCCTCTGGAGGCAGCCCAATCAGGCTGTGGGGGACAGGAGA[ACT>A]CTGGTCAGGAGGGTCCTCCAGTTCCCATCCCCATGGGCAGAGCCAGTTGCCATCCTGGGT-3'

ClinVar aggregate classification (germline): Benign (1 of 4 stars; one submission).

Conditions:
Melanoma, cutaneous malignant, susceptibility to, 3. Also called: Cutaneous malignant melanoma 3. Identifiers: Orphanet 618, MedGen C1836892, MONDO:0012183, OMIM 609048.

Submission:

Myriad Genetics, Inc.
Classification: Benign for Melanoma, cutaneous malignant, susceptibility to, 3. Last evaluated: 2024-09-26. Review status: criteria provided, single submitter. Criteria: Myriad Autosomal Dominant, Autosomal Recessive and X-Linked Classification Criteria (2023). Collection method: clinical testing. Allele origin: unknown.
Comment: This variant is considered benign. This variant is intronic and is not expected to impact mRNA splicing.